The following is an entry in ClinVar:

ClinVar aggregate classification (germline): Uncertain significance (1 of 4 stars; one submission).

Conditions:
Bethlem myopathy 1A. Also called: Bethlem myopathy 1; Bethlem Muscular Dystrophy; MYOPATHY, BENIGN CONGENITAL, WITH CONTRACTURES. Identifiers: Orphanet 610, MedGen CN029274, MONDO:0024530, OMIM 158810.

Submission:

Labcorp Genetics (formerly Invitae), Labcorp
Classification: Uncertain significance for Bethlem myopathy 1A. Last evaluated: 2023-11-17. Review status: criteria provided, single submitter. Criteria: Invitae Variant Classification Sherloc (09022015). Collection method: clinical testing. Allele origin: germline.
Comment: This sequence change replaces aspartic acid, which is acidic and polar, with glycine, which is neutral and non-polar, at codon 354 of the COL6A2 protein (p.Asp354Gly). This variant is not present in population databases (gnomAD no frequency). This variant has not been reported in the literature in individuals affected with COL6A2-related conditions. Advanced modeling of protein sequence and biophysical properties (such as structural, functional, and spatial information, amino acid conservation, physicochemical variation, residue mobility, and thermodynamic stability) performed at Invitae indicates that this missense variant is expected to disrupt COL6A2 protein function with a positive predictive value of 80%. In summary, the available evidence is currently insufficient to determine the role of this variant in disease. Therefore, it has been classified as a Variant of Uncertain Significance.

NM_001849.4(COL6A2):c.1061A>G (p.Asp354Gly)

Gene: COL6A2 (collagen type VI alpha 2 chain; plus strand). Cytogenetic location: 21q22.3.
Variant type: single nucleotide variant.
Coding change: c.1061A>G on transcript NM_001849.4 (MANE Select); coding-DNA position 1061, A replaced by G.
Protein change: p.Asp354Gly; replaces aspartic acid 354 with glycine.
Molecular consequence: missense variant.
Genome position (GRCh38, 1-based): chr21:46,117,881, A>G. VCF-style: chr21-46117881-A-G. GRCh37 (hg19) VCF-style: chr21-47537795-A-G.
Other names: c.1061A>G, p.Asp354Gly (NM_058174.3, NM_058175.3); short protein forms D354G.
Identifiers: ClinVar variation 2738083 (VCV002738083.3), dbSNP rs2516999814, ClinGen allele CA410527453.